The following is an entry in ClinVar:

ClinVar aggregate classification (germline): Pathogenic (1 of 4 stars; one submission).

Conditions:
Mosaic variegated aneuploidy syndrome 1 (MVA1). Also called: Warburton-Anyane-Yeboa syndrome. Identifiers: Orphanet 1052, MedGen C1850343, MONDO:0009759, OMIM 257300.

Submission:

Labcorp Genetics (formerly Invitae), Labcorp
Classification: Pathogenic for Mosaic variegated aneuploidy syndrome 1. Last evaluated: 2025-01-28. Review status: criteria provided, single submitter. Criteria: Invitae Variant Classification Sherloc (09022015). Collection method: clinical testing. Allele origin: germline.
Comment: This sequence change creates a premature translational stop signal (p.Ala789Cysfs*29) in the BUB1B gene. It is expected to result in an absent or disrupted protein product. Loss-of-function variants in BUB1B are known to be pathogenic (PMID: 15475955, 21190457). This variant is not present in population databases (gnomAD no frequency). This variant has not been reported in the literature in individuals affected with BUB1B-related conditions. For these reasons, this variant has been classified as Pathogenic.

Literature cited by the submitters: PubMed 15475955; PubMed 21190457.

NM_001211.6(BUB1B):c.2364dup (p.Ala789fs)

Gene: BUB1B (BUB1 mitotic checkpoint serine/threonine kinase B; plus strand). Cytogenetic location: 15q15.1.
Variant type: Duplication.
Coding change: c.2364dup on transcript NM_001211.6 (MANE Select); coding-DNA position 2364, one base duplicated (T; older notation c.2364dupT).
Protein change: p.Ala789fs; shifts the reading frame from alanine 789.
Molecular consequence: frameshift variant.
Genome position (GRCh38, 1-based): chr15:40,210,189, T duplicated. VCF-style (leftmost placement, unchanged base first): chr15-40210188-C-CT. GRCh37 (hg19) VCF-style: chr15-40502389-C-CT.
Other names: short protein forms A789fs.
Identifiers: ClinVar variation 3729705 (VCV003729705.2).